The following is an entry in ClinVar:

NM_013432.5(TONSL):c.2356A>G (p.Ser786Gly)

Genes: TONSL (tonsoku like, DNA repair protein; minus strand), TONSL-AS1 (TONSL antisense RNA 1; plus strand). Cytogenetic location: 8q24.3.
Variant type: single nucleotide variant.
Coding change: c.2356A>G on transcript NM_013432.5 (MANE Select); coding-DNA position 2356, A replaced by G.
Protein change: p.Ser786Gly; replaces serine 786 with glycine.
Molecular consequence: missense variant.
Genome position (GRCh38, 1-based): chr8:144,436,077, T>C on the plus strand (A>G on the coding strand, the complement: TONSL is on the minus strand). VCF-style: chr8-144436077-T-C. GRCh37 (hg19) VCF-style: chr8-145661460-T-C.
Other names: c.2356A>G (NM_013432.4); short protein forms S786G.
Identifiers: ClinVar variation 2057793 (VCV002057793.4), dbSNP rs1251038820, ClinGen allele CA372655746.

ClinVar aggregate classification (germline): Uncertain significance. Review status: criteria provided, multiple submitters, no conflicts (2 of 4 stars). 2 submissions from 2 submitters: Uncertain significance (2). Last evaluated 2024-11-24.

Conditions:
Inborn genetic diseases. Identifiers: MedGen C0950123, MeSH D030342.

Allele frequency attached by ClinVar (database versions not stated): TOPMed below 0.00001; gnomAD 0.00001; gnomAD exomes 0.00002.
gnomAD v4.1: 25 of 1,569,720 alleles (0.0016%); highest among the groups gnomAD compares: Non-Finnish European, 0.0019%; no homozygotes.

Submissions (2):

Ambry Genetics
Classification: Uncertain significance for Inborn genetic diseases. Last evaluated: 2024-11-24. Review status: criteria provided, single submitter. Criteria: Ambry Variant Classification Scheme 2023. Collection method: clinical testing. Allele origin: germline.

Labcorp Genetics (formerly Invitae), Labcorp
Classification: Uncertain significance. Last evaluated: 2023-12-22. Review status: criteria provided, single submitter. Criteria: Invitae Variant Classification Sherloc (09022015). Collection method: clinical testing. Allele origin: germline.
Comment: This sequence change replaces serine, which is neutral and polar, with glycine, which is neutral and non-polar, at codon 786 of the TONSL protein (p.Ser786Gly). The frequency data for this variant in the population databases is considered unreliable, as metrics indicate poor data quality at this position in the gnomAD database. This variant has not been reported in the literature in individuals affected with TONSL-related conditions. ClinVar contains an entry for this variant (Variation ID: 2057793). Advanced modeling of protein sequence and biophysical properties (such as structural, functional, and spatial information, amino acid conservation, physicochemical variation, residue mobility, and thermodynamic stability) performed at Invitae indicates that this missense variant is not expected to disrupt TONSL protein function with a negative predictive value of 80%. In summary, the available evidence is currently insufficient to determine the role of this variant in disease. Therefore, it has been classified as a Variant of Uncertain Significance.